The following is an entry in ClinVar:

NM_001291867.2(NHS):c.2322C>T (p.Ser774=)

Gene: NHS (NHS actin remodeling regulator; plus strand). Cytogenetic location: Xp22.13.
Variant type: single nucleotide variant.
Coding change: c.2322C>T on transcript NM_001291867.2 (MANE Select); coding-DNA position 2322, C replaced by T.
Protein change: p.Ser774=; no amino-acid change (serine 774 retained).
Molecular consequence: synonymous variant.
Genome position (GRCh38, 1-based): chrX:17,726,428, C>T. VCF-style: chrX-17726428-C-T. GRCh37 (hg19) VCF-style: chrX-17744548-C-T.
Other names: c.1791C>T, p.Ser597= (NM_001136024.4); c.1728C>T, p.Ser576= (NM_001291868.2); c.2259C>T, p.Ser753= (NM_198270.4); c.2259C>T (NM_198270.3).
Identifiers: ClinVar variation 3001960 (VCV003001960.4), dbSNP rs1043928584, ClinGen allele CA326967290.

ClinVar aggregate classification (germline): Likely benign. Review status: criteria provided, multiple submitters, no conflicts (2 of 4 stars). 2 submissions from 2 submitters: Likely benign (2). Last evaluated 2026-04-10.

Conditions:
Nance-Horan syndrome (NHS). Identifiers: Orphanet 627, MedGen C0796085, MONDO:0010545, OMIM 302350.
NHS-related disorder. Also called: NHS-related condition.

Allele frequency attached by ClinVar (database versions not stated): gnomAD exomes below 0.00001.
gnomAD v4.1: 5 of 1,212,007 alleles (0.00041%); highest among the groups gnomAD compares: Middle Eastern, 0.023%; no homozygotes.

Submissions (2):

PreventionGenetics, part of Exact Sciences
Classification: Likely benign for NHS-related condition. Last evaluated: 2026-04-10. Review status: criteria provided, single submitter. Criteria: ACMG Guidelines, 2015. Collection method: clinical testing. Allele origin: germline.
Comment: This variant is classified as likely benign based on ACMG/AMP sequence variant interpretation guidelines (Richards et al. 2015 PMID: 25741868, with internal and published modifications).

Labcorp Genetics (formerly Invitae), Labcorp
Classification: Likely benign for Nance-Horan syndrome. Last evaluated: 2023-09-01. Review status: criteria provided, single submitter. Criteria: Invitae Variant Classification Sherloc (09022015). Collection method: clinical testing. Allele origin: germline.